The following is an entry in ClinVar:

NM_000069.3(CACNA1S):c.3110A>G (p.Asn1037Ser)

Gene: CACNA1S (calcium voltage-gated channel subunit alpha1 S; minus strand). Cytogenetic location: 1q32.1.
Variant type: single nucleotide variant.
Coding change: c.3110A>G on transcript NM_000069.3 (MANE Select); coding-DNA position 3110, A replaced by G.
Protein change: p.Asn1037Ser; replaces asparagine 1037 with serine.
Molecular consequence: missense variant.
Genome position (GRCh38, 1-based): chr1:201,061,412, T>C on the plus strand (A>G on the coding strand, the complement: CACNA1S is on the minus strand). VCF-style: chr1-201061412-T-C. GRCh37 (hg19) VCF-style: chr1-201030540-T-C.
Other names: short protein forms N1037S.
Identifiers: ClinVar variation 3074373 (VCV003074373.1), dbSNP rs1291428107, ClinGen allele CA344162651.

ClinVar aggregate classification (germline): Uncertain significance (1 of 4 stars; one submission).

Conditions:
Malignant hyperthermia, susceptibility to, 5 (MHS5). Also called: CACNA1S-Related Malignant Hyperthermia Susceptibility. Identifiers: Orphanet 423, MedGen C1866077, MONDO:0011163, OMIM 601887.

Allele frequency attached by ClinVar (database versions not stated): gnomAD exomes below 0.00001.
gnomAD v4.1: 2 of 1,614,134 alleles (0.00012%); highest among the groups gnomAD compares: Admixed American, 0.0017%; no homozygotes.

Submission:

All of Us Research Program, National Institutes of Health
Classification: Uncertain significance for Malignant hyperthermia, susceptibility to, 5. Last evaluated: 2023-11-02. Review status: criteria provided, single submitter. Criteria: ACMG Guidelines, 2015. Collection method: clinical testing. Allele origin: germline. Inheritance: Autosomal dominant inheritance. Observed: 1 variant allele, 1 heterozygote.
Comment: This missense variant replaces asparagine with serine at codon 1037 of the CACNA1S protein. Computational prediction is inconclusive regarding the impact of this variant on protein structure and function (internally defined REVEL score threshold 0.5 < inconclusive < 0.7, PMID: 27666373). To our knowledge, functional studies have not been reported for this variant. This variant has not been reported in individuals affected with CACNA1S-related disorders in the literature. This variant has been identified in 1/251452 chromosomes in the general population by the Genome Aggregation Database (gnomAD). The available evidence is insufficient to determine the role of this variant in disease conclusively. Therefore, this variant is classified as a Variant of Uncertain Significance.

This study involves interpretation of variants in research participants for the purpose of population health screening. Participant phenotype was not available at the time of variant classification. Additional details can be found in publication PMID: 35346344, PMCID: PMC8962531